The following is an entry in ClinVar:

ClinVar aggregate classification (germline): Likely pathogenic (1 of 4 stars; one submission).

Conditions:
Glutathione synthetase deficiency with 5-oxoprolinuria. Also called: PYROGLUTAMIC ACIDURIA; 5-Oxoprolinuria; Gluthathione synthetase deficiency; 5-OXOPROLINURIA DUE TO GLUTATHIONE SYNTHETASE DEFICIENCY; Reduced glutathione synthetase level. Identifiers: Orphanet 289846, MedGen C0398746, MONDO:0009947, OMIM 266130, HP:0003343.

Submission:

Labcorp Genetics (formerly Invitae), Labcorp
Classification: Likely pathogenic for Glutathione synthetase deficiency with 5-oxoprolinuria. Last evaluated: 2023-08-28. Review status: criteria provided, single submitter. Criteria: Invitae Variant Classification Sherloc (09022015). Collection method: clinical testing. Allele origin: germline.
Comment: In summary, the currently available evidence indicates that the variant is pathogenic, but additional data are needed to prove that conclusively. Therefore, this variant has been classified as Likely Pathogenic. Algorithms developed to predict the effect of sequence changes on RNA splicing suggest that this variant may disrupt the consensus splice site. This variant has not been reported in the literature in individuals affected with GSS-related conditions. This variant is not present in population databases (gnomAD no frequency). This sequence change affects a donor splice site in intron 3 of the GSS gene. It is expected to disrupt RNA splicing. Variants that disrupt the donor or acceptor splice site typically lead to a loss of protein function (PMID: 16199547), and loss-of-function variants in GSS are known to be pathogenic (PMID: 12638941, 15717202).

Literature cited by the submitters: PubMed 16199547; PubMed 12638941; PubMed 15717202.

NM_000178.4(GSS):c.275+1G>A

Gene: GSS (glutathione synthetase; minus strand). Cytogenetic location: 20q11.22.
Variant type: single nucleotide variant.
Coding change: c.275+1G>A on transcript NM_000178.4 (MANE Select); the canonical splice donor site of the intron after coding-DNA position 275, G replaced by A.
Molecular consequence: splice donor variant.
Genome position (GRCh38, 1-based): chr20:34,945,952, C>T on the plus strand (G>A on the coding strand, the complement: GSS is on the minus strand). VCF-style: chr20-34945952-C-T. GRCh37 (hg19) VCF-style: chr20-33533755-C-T.
Other names: c.275+1G>A (NM_001322494.1, NM_001322495.1).
Identifiers: ClinVar variation 2819254 (VCV002819254.3), dbSNP rs2519036298, ClinGen allele CA408705019.